The following is an entry in ClinVar:

ClinVar aggregate classification (germline): Uncertain significance (1 of 4 stars; one submission).

Conditions:
Hereditary motor and sensory neuropathy, Okinawa type (HMSNO). Also called: HEREDITARY MOTOR AND SENSORY NEUROPATHY, PROXIMAL TYPE. Identifiers: Orphanet 90117, MedGen C1858338, MONDO:0011468, OMIM 604484.
Hereditary spastic paraplegia 57. Also called: Spastic paraplegia 57, autosomal recessive. Identifiers: Orphanet 431329, MedGen C3714897, MONDO:0014295, OMIM 615658.

Allele frequency attached by ClinVar (database versions not stated): gnomAD exomes below 0.00001; TOPMed below 0.00001; gnomAD 0.00001.
gnomAD v4.1: 2 of 1,612,168 alleles (0.00012%); highest among the groups gnomAD compares: African/African-American, 0.0013%; no homozygotes.

Submission:

Labcorp Genetics (formerly Invitae), Labcorp
Classification: Uncertain significance for Hereditary motor and sensory neuropathy, Okinawa type; Hereditary spastic paraplegia 57. Last evaluated: 2023-04-25. Review status: criteria provided, single submitter. Criteria: Invitae Variant Classification Sherloc (09022015). Collection method: clinical testing. Allele origin: germline.
Comment: In summary, the available evidence is currently insufficient to determine the role of this variant in disease. Therefore, it has been classified as a Variant of Uncertain Significance. Advanced modeling of protein sequence and biophysical properties (such as structural, functional, and spatial information, amino acid conservation, physicochemical variation, residue mobility, and thermodynamic stability) performed at Invitae indicates that this missense variant is not expected to disrupt TFG protein function. This variant has not been reported in the literature in individuals affected with TFG-related conditions. This variant is not present in population databases (gnomAD no frequency). This sequence change replaces asparagine, which is neutral and polar, with serine, which is neutral and polar, at codon 173 of the TFG protein (p.Asn173Ser).

NM_006070.6(TFG):c.518A>G (p.Asn173Ser)

Gene: TFG (trafficking from ER to golgi regulator; plus strand). Cytogenetic location: 3q12.2.
Variant type: single nucleotide variant.
Coding change: c.518A>G on transcript NM_006070.6 (MANE Select); coding-DNA position 518, A replaced by G.
Protein change: p.Asn173Ser; replaces asparagine 173 with serine.
Molecular consequence: missense variant.
Genome position (GRCh38, 1-based): chr3:100,732,610, A>G. VCF-style: chr3-100732610-A-G. GRCh37 (hg19) VCF-style: chr3-100451454-A-G.
Other names: c.518A>G, p.Asn173Ser (NM_001007565.2, NM_001195478.2, NM_001195479.2); short protein forms N173S.
Identifiers: ClinVar variation 2947109 (VCV002947109.3), dbSNP rs1259859828, ClinGen allele CA353845263.